The following is an entry in ClinVar:

ClinVar aggregate classification (germline): Likely benign. Review status: criteria provided, single submitter (1 of 4 stars). 2 submissions from 2 submitters: Likely benign (1). 1 of the submissions does not count toward it. Last evaluated 2025-02-28.

Conditions:
USP7-related disorder. Also called: USP7-related condition.

Allele frequency attached by ClinVar (database versions not stated): ExAC 0.00007; ESP Exome Variant Server 0.00008; gnomAD exomes 0.00008; TOPMed 0.00011; gnomAD 0.00012 and 0.00013.
gnomAD v4.1: 384 of 1,612,898 alleles (0.024%); highest among the groups gnomAD compares: Non-Finnish European, 0.03%; no homozygotes.

Submissions (2):

Labcorp Genetics (formerly Invitae), Labcorp
Classification: Likely benign. Last evaluated: 2025-02-28. Review status: criteria provided, single submitter. Criteria: Invitae Variant Classification Sherloc (09022015). Collection method: clinical testing. Allele origin: germline.

PreventionGenetics, part of Exact Sciences
Classification: Likely benign for USP7-related condition. Last evaluated: 2019-07-30. Review status: no assertion criteria provided. Collection method: clinical testing. Allele origin: germline. Not counted in ClinVar's aggregate classification.
Comment: This variant is classified as likely benign based on ACMG/AMP sequence variant interpretation guidelines (Richards et al. 2015 PMID: 25741868, with internal and published modifications).

NM_003470.3(USP7):c.744G>A (p.Glu248=)

Gene: USP7 (ubiquitin specific peptidase 7; minus strand). Cytogenetic location: 16p13.2.
Variant type: single nucleotide variant.
Coding change: c.744G>A on transcript NM_003470.3 (MANE Select); coding-DNA position 744, G replaced by A.
Protein change: p.Glu248=; no amino-acid change (glutamic acid 248 retained).
Molecular consequence: synonymous variant. On other transcripts: non-coding transcript variant (1).
Genome position (GRCh38, 1-based): chr16:8,917,133, C>T on the plus strand (G>A on the coding strand, the complement: USP7 is on the minus strand). VCF-style: chr16-8917133-C-T. GRCh37 (hg19) VCF-style: chr16-9010990-C-T.
Other names: c.696G>A, p.Glu232= (NM_001286457.2); c.447G>A, p.Glu149= (NM_001286458.2); c.570G>A, p.Glu190= (NM_001321858.2).
Identifiers: ClinVar variation 727818 (VCV000727818.9), dbSNP rs373219567, ClinGen allele CA7895609.